The following is an entry in ClinVar:

ClinVar aggregate classification (germline): Uncertain significance (0 of 4 stars; one submission).

Conditions:
Noonan syndrome 5 (NS5). Also called: RAF1-Related Noonan Syndrome. Identifiers: Orphanet 648, MedGen C1969057, MONDO:0012690, OMIM 611553. Disease mechanism: gain of function.

Submission:

Laboratorio de Biologia Molecular - Genetica, Hospital de Pediatria Garrahan
Classification: Uncertain significance for Noonan syndrome 5. Review status: no assertion criteria provided. Collection method: clinical testing. Allele origin: germline. Inheritance: Autosomal dominant inheritance. Affected: yes. Observed: 1 heterozygote.
Comment: The c.1467G>C variant was neither found in ExAC nor in 1000 Genomes databases. It was submitted to different bioinformatic tools (Mutation Taster, PolyPhen2, and SIFT), was considered to be probably damaging (score 0.997) by PolyPhen2, disease causing by Mutation Taster and deleterious (score -3.605) by SIFT. This variant is described in COSMIC database, it was detected in skin tissue from a patient with malignant melanoma (COSM5398071).

NM_002880.4(RAF1):c.1467G>C (p.Leu489Phe)

Gene: RAF1 (Raf-1 proto-oncogene, serine/threonine kinase; minus strand). Cytogenetic location: 3p25.2.
Variant type: single nucleotide variant.
Coding change: c.1467G>C on transcript NM_002880.4 (MANE Select); coding-DNA position 1467, G replaced by C.
Protein change: p.Leu489Phe; replaces leucine 489 with phenylalanine.
Molecular consequence: missense variant. On other transcripts: non-coding transcript variant (3).
Genome position (GRCh38, 1-based): chr3:12,585,750, C>G on the plus strand (G>C on the coding strand, the complement: RAF1 is on the minus strand). VCF-style: chr3-12585750-C-G. GRCh37 (hg19) VCF-style: chr3-12627249-C-G.
Other names: c.1527G>C, p.Leu509Phe (NM_001354689.3); c.1467G>C, p.Leu489Phe (NM_001354690.3); c.1224G>C, p.Leu408Phe (NM_001354691.3, NM_001354692.3); c.1368G>C, p.Leu456Phe (NM_001354693.3); c.1284G>C, p.Leu428Phe (NM_001354694.3); c.1125G>C, p.Leu375Phe (NM_001354695.3); short protein forms L489F, L456F, L509F, L375F, L408F, L428F.
Identifiers: ClinVar variation 40619 (VCV000040619.3), dbSNP rs1553610155, ClinGen allele CA351499119.
Genomic context (GRCh38, chr3:12,585,750, plus strand): 5'-GACAGAGCCAGTAGGTTGTTCAACCTGCTGAGAACCACTCCAGCGTGACTTTACTGTTGC[C>G]AAACCAAAATCTCCAATTTTCACTGTTAAGCCTTCATGGAGAAATATATCTCAATGCTTG-3'
Protein context (NP_002871.1, residues 479-499): GLTVKIGDFG[Leu489Phe]ATVKSRWSGS